The following is an entry in ClinVar:

NM_206926.2(SELENON):c.86G>A (p.Arg29His)

Gene: SELENON (selenoprotein N; plus strand). Cytogenetic location: 1p36.11.
Variant type: single nucleotide variant.
Coding change: c.86G>A on transcript NM_206926.2 (MANE Select); coding-DNA position 86, G replaced by A.
Protein change: p.Arg29His; replaces arginine 29 with histidine.
Molecular consequence: missense variant.
Genome position (GRCh38, 1-based): chr1:25,800,316, G>A. VCF-style: chr1-25800316-G-A. GRCh37 (hg19) VCF-style: chr1-26126807-G-A.
Other names: c.86G>A, p.Arg29His (NM_020451.3); c.86G>A (NM_020451.2); short protein forms R29H.
Identifiers: ClinVar variation 1423841 (VCV001423841.9), dbSNP rs1349760554, ClinGen allele CA339105999.
Genomic context (GRCh38, chr1:25,800,316, plus strand): 5'-GCGGGCCGCCCAGCCCCGGCCCCGCCGCGCAGCCTCCCGCGCCACCGCGCCGCCGCGCCC[G>A]TTCCCTGGCGCTGCTCGGAGCCCTGCTGGCCGCCGCCGCTGCCGCCGCCGTCCGGGTCTG-3'
Protein context (NP_996809.1, residues 19-39): QPPAPPRRRA[Arg29His]SLALLGALLA

ClinVar aggregate classification (germline): Uncertain significance. Review status: criteria provided, multiple submitters, no conflicts (2 of 4 stars). 2 submissions from 2 submitters: Uncertain significance (2). Last evaluated 2025-08-07.

Conditions:
Eichsfeld type congenital muscular dystrophy (CMYO3). Also called: MYOPATHY, SEPN1-RELATED; SELENON-related myopathy; Congenital myopathy 3 with rigid spine; Rigid spine muscular dystrophy 1. Identifiers: MedGen C0410180, MONDO:0100100, OMIM 602771.
Inborn genetic diseases. Identifiers: MedGen C0950123, MeSH D030342.

Submissions (2):

Ambry Genetics
Classification: Uncertain significance for Inborn genetic diseases. Last evaluated: 2025-08-07. Review status: criteria provided, single submitter. Criteria: Ambry Variant Classification Scheme 2023. Collection method: clinical testing. Allele origin: germline.

Labcorp Genetics (formerly Invitae), Labcorp
Classification: Uncertain significance for Eichsfeld type congenital muscular dystrophy. Last evaluated: 2022-03-18. Review status: criteria provided, single submitter. Criteria: Invitae Variant Classification Sherloc (09022015). Collection method: clinical testing. Allele origin: germline.
Comment: Algorithms developed to predict the effect of missense changes on protein structure and function are either unavailable or do not agree on the potential impact of this missense change (SIFT: "Tolerated"; PolyPhen-2: "Not Available"; Align-GVGD: "Class C0"). In summary, the available evidence is currently insufficient to determine the role of this variant in disease. Therefore, it has been classified as a Variant of Uncertain Significance. This variant has not been reported in the literature in individuals affected with SELENON-related conditions. This variant is not present in population databases (gnomAD no frequency). This sequence change replaces arginine, which is basic and polar, with histidine, which is basic and polar, at codon 29 of the SELENON protein (p.Arg29His).